The following is an entry in ClinVar:

NM_000384.3(APOB):c.11969A>G (p.Tyr3990Cys)

Gene: APOB (apolipoprotein B; minus strand). Cytogenetic location: 2p24.1.
Variant type: single nucleotide variant.
Coding change: c.11969A>G on transcript NM_000384.3 (MANE Select); coding-DNA position 11969, A replaced by G.
Protein change: p.Tyr3990Cys; replaces tyrosine 3990 with cysteine.
Molecular consequence: missense variant.
Genome position (GRCh38, 1-based): chr2:21,004,387, T>C on the plus strand (A>G on the coding strand, the complement: APOB is on the minus strand). VCF-style: chr2-21004387-T-C. GRCh37 (hg19) VCF-style: chr2-21227259-T-C.
Other names: short protein forms Y3990C.
Identifiers: ClinVar variation 1745989 (VCV001745989.6), dbSNP rs1251857523, ClinGen allele CA345975632.

ClinVar aggregate classification (germline): Conflicting classifications of pathogenicity. Review status: criteria provided, conflicting classifications (1 of 4 stars). 2 submissions from 2 submitters: Uncertain significance (1); Likely benign (1). Last evaluated 2025-05-30.

Conditions:
Familial hypobetalipoproteinemia 1. Also called: APOB-Related Familial Hypobetalipoproteinemia; Hypobetalipoproteinemia, normotriglyceridemic; Acanthocytosis with hypobetalipoproteinemia. Identifiers: MedGen C4551990, MONDO:0014252, OMIM 615558.
Hypercholesterolemia, autosomal dominant, type B (FHCL2). Also called: Hyperlipoproteinemia Type IIb; Familial hypercholesterolemia 2; Familial Hypercholesterolemia Type B; APOLIPOPROTEIN B-100, FAMILIAL DEFECTIVE; APOLIPOPROTEIN B-100, FAMILIAL LIGAND-DEFECTIVE; HYPERCHOLESTEROLEMIA, FAMILIAL, DUE TO LIGAND-DEFECTIVE APOLIPOPROTEIN B. Identifiers: MedGen C1704417, MONDO:0007751, OMIM 144010.
Cardiovascular phenotype. Identifiers: MedGen CN230736.

Allele frequency attached by ClinVar (database versions not stated): gnomAD 0.00001; gnomAD exomes 0.00002; TOPMed 0.00002.
gnomAD v4.1: 33 of 1,613,918 alleles (0.002%); highest among the groups gnomAD compares: Non-Finnish European, 0.0022%; no homozygotes.

Submissions (2):

Ambry Genetics
Classification: Uncertain significance for Cardiovascular phenotype. Last evaluated: 2025-05-30. Review status: criteria provided, single submitter. Criteria: Ambry Variant Classification Scheme 2023. Collection method: clinical testing. Allele origin: germline.
Comment: The p.Y3990C variant (also known as c.11969A>G), located in coding exon 28 of the APOB gene, results from an A to G substitution at nucleotide position 11969. The tyrosine at codon 3990 is replaced by cysteine, an amino acid with highly dissimilar properties. This amino acid position is well conserved in available vertebrate species; however, cysteine is the reference amino acid in other vertebrate species. In addition, this alteration is predicted to be tolerated by in silico analysis. Since supporting evidence is limited at this time, the clinical significance of this alteration remains unclear.

Labcorp Genetics (formerly Invitae), Labcorp
Classification: Likely benign for Familial hypobetalipoproteinemia 1; Hypercholesterolemia, autosomal dominant, type B. Last evaluated: 2024-01-14. Review status: criteria provided, single submitter. Criteria: Invitae Variant Classification Sherloc (09022015). Collection method: clinical testing. Allele origin: germline.